The following is an entry in ClinVar:

ClinVar aggregate classification (germline): Uncertain significance (1 of 4 stars; one submission).

Conditions:
Kleefstra syndrome 2 (KLEFS2). Identifiers: MedGen C4540395, MONDO:0054701, OMIM 617768.

Submission:

Laboratorio de Genetica e Diagnostico Molecular, Hospital Israelita Albert Einstein
Classification: Uncertain significance for Kleefstra syndrome 2. Last evaluated: 2023-02-01. Review status: criteria provided, single submitter. Criteria: ACMG Guidelines, 2015. Collection method: clinical testing. Allele origin: germline. Affected: yes. Observed: 1 variant allele.
Comment: ACMG classification criteria: PM2 moderated, PM4

NM_170606.3(KMT2C):c.32AGCCGC[3] (p.Pro14_Pro15insGlnPro)

Gene: KMT2C (lysine methyltransferase 2C; minus strand). Cytogenetic location: 7q36.1.
Variant type: Microsatellite.
Coding change: c.32AGCCGC[3] on transcript NM_170606.3 (MANE Select); three copies in a row of the 6-base unit AGCCGC starting at c.32; the reference has two copies in a row; one copy, 6 bases duplicated; also written c.38_43dup.
Protein change: p.Pro14_Pro15insGlnPro.
Molecular consequence: inframe insertion.
Genome position (GRCh38, 1-based): chr7:152,435,744-152,435,749, GCGGCT duplicated on the plus strand (AGCCGC on the coding strand, the reverse complement: KMT2C is on the minus strand); duplicating any 6 consecutive bases within chr7:152,435,744-152,435,757 gives the same sequence; the position shown is the placement nearest the transcript's 3' end. VCF-style (leftmost placement, unchanged base first): chr7-152435743-G-GGCGGCT. GRCh37 (hg19) VCF-style: chr7-152132828-G-GGCGGCT.
Other names: c.38_43dup (NM_170606.3).
Identifiers: ClinVar variation 2431928 (VCV002431928.1), dbSNP rs1262758756, ClinGen allele CA578757568.